The following is an entry in ClinVar:

ClinVar aggregate classification (germline): Pathogenic. Review status: criteria provided, multiple submitters, no conflicts (2 of 4 stars). 4 submissions from 4 submitters: Pathogenic (4). Last evaluated 2024-09-25.

Conditions:
Hereditary cancer-predisposing syndrome. Also called: Hereditary neoplastic syndrome; Tumor predisposition; Neoplastic Syndromes, Hereditary; Hereditary Cancer Syndrome. Identifiers: Orphanet 140162, MedGen C0027672, MeSH D009386, MONDO:0015356.
Multiple endocrine neoplasia, type 1 (MEN1). Also called: MEN I; Endocrine adenomatosis multiple; MEN 1; WERMER SYNDROME; MEA I. Identifiers: Orphanet 652, MedGen C0025267, MeSH D018761, MONDO:0007540, OMIM 131100.

Allele frequency attached by ClinVar (database versions not stated): gnomAD exomes below 0.00001.
gnomAD v4.1: 1 of 1,614,200 alleles (0.000062%); highest among the groups gnomAD compares: Non-Finnish European, 0.000085%; no homozygotes.

Submissions (4):

Labcorp Genetics (formerly Invitae), Labcorp
Classification: Pathogenic for Multiple endocrine neoplasia, type 1. Last evaluated: 2024-09-25. Review status: criteria provided, single submitter. Criteria: Invitae Variant Classification Sherloc (09022015). Collection method: clinical testing. Allele origin: germline.
Comment: This sequence change creates a premature translational stop signal (p.Trp341*) in the MEN1 gene. It is expected to result in an absent or disrupted protein product. Loss-of-function variants in MEN1 are known to be pathogenic (PMID: 12112656, 17853334). This variant is not present in population databases (gnomAD no frequency). This premature translational stop signal has been observed in individual(s) with multiple endocrine neoplasia type 1 (PMID: 9463336, 10439966, 22026581). ClinVar contains an entry for this variant (Variation ID: 428018). For these reasons, this variant has been classified as Pathogenic.

Ambry Genetics
Classification: Pathogenic for Hereditary cancer-predisposing syndrome. Last evaluated: 2024-05-02. Review status: criteria provided, single submitter. Criteria: Ambry Variant Classification Scheme 2023. Collection method: clinical testing. Allele origin: germline.
Comment: The p.W341* pathogenic mutation (also known as c.1022G>A), located in coding exon 6 of the MEN1 gene, results from a G to A substitution at nucleotide position 1022. This changes the amino acid from a tryptophan to a stop codon within coding exon 6. This alteration has been previously reported in individuals with multiple endocrine neoplasia type 1 (MEN1) (Bassett JH et al. Am J Hum Genet. 1998 Feb;62(2):232-44; Cebrian A et al. Eur J Hum Genet. 1999 Jul;7(5):585-9). In addition to the clinical data presented in the literature, this alteration is expected to result in loss of function by premature protein truncation or nonsense-mediated mRNA decay. As such, this alteration is interpreted as a disease-causing mutation.

GeneDx
Classification: Pathogenic. Last evaluated: 2024-03-27. Review status: criteria provided, single submitter. Criteria: GeneDx Variant Classification Process June 2021. Collection method: clinical testing. Allele origin: germline. Affected: yes.
Comment: Nonsense variant predicted to result in protein truncation or nonsense mediated decay in a gene for which loss of function is a known mechanism of disease; Not observed at significant frequency in large population cohorts (gnomAD); This variant is associated with the following publications: (PMID: 25525159, 11181266, 11741745, 30820182, 29497973, 9463336, 10439966, 22026581, 16563611, 10598193, 12049533, 17623761, 27311764)

Women's Health and Genetics/Laboratory Corporation of America, LabCorp
Classification: Pathogenic for Multiple endocrine neoplasia, type 1. Last evaluated: 2022-11-25. Review status: criteria provided, single submitter. Criteria: LabCorp Variant Classification Summary - May 2015. Collection method: clinical testing. Allele origin: germline.
Comment: Variant summary: MEN1 c.1022G>A (p.Trp341X) results in a premature termination codon, predicted to cause a truncation of the encoded protein or absence of the protein due to nonsense mediated decay, which are commonly known mechanisms for disease. Truncations downstream of this position have been classified as pathogenic by our laboratory. The variant was absent in 251458 control chromosomes. c.1022G>A has been reported in the literature in individuals affected with Multiple Endocrine Neoplasia Type 1 (example, Bassett_1998, Marini_2018). These data indicate that the variant is likely to be associated with disease. Two clinical diagnostic laboratories have submitted clinical-significance assessments for this variant to ClinVar after 2014 without evidence for independent evaluation. All laboratories classified the variant as pathogenic. Based on the evidence outlined above, the variant was classified as pathogenic.

Literature cited by the submitters: PubMed 12112656 (cited by Labcorp Genetics (formerly Invitae), Labcorp and Women's Health and Genetics/Laboratory Corporation of America, LabCorp); PubMed 17853334 (cited by Labcorp Genetics (formerly Invitae), Labcorp); PubMed 9463336 (cited by Labcorp Genetics (formerly Invitae), Labcorp and Women's Health and Genetics/Laboratory Corporation of America, LabCorp); PubMed 10439966 (cited by Labcorp Genetics (formerly Invitae), Labcorp and Women's Health and Genetics/Laboratory Corporation of America, LabCorp); PubMed 22026581 (cited by Labcorp Genetics (formerly Invitae), Labcorp); PubMed 10598193 (cited by Women's Health and Genetics/Laboratory Corporation of America, LabCorp); PubMed 10090472 (cited by Women's Health and Genetics/Laboratory Corporation of America, LabCorp); PubMed 9709921 (cited by Women's Health and Genetics/Laboratory Corporation of America, LabCorp); PubMed 10660339 (cited by Women's Health and Genetics/Laboratory Corporation of America, LabCorp); PubMed 12049533 (cited by Women's Health and Genetics/Laboratory Corporation of America, LabCorp); PubMed 16563611 (cited by Women's Health and Genetics/Laboratory Corporation of America, LabCorp); PubMed 11181266 (cited by Women's Health and Genetics/Laboratory Corporation of America, LabCorp); PubMed 17623761 (cited by Women's Health and Genetics/Laboratory Corporation of America, LabCorp); PubMed 29497973 (cited by Women's Health and Genetics/Laboratory Corporation of America, LabCorp).

NM_001370259.2(MEN1):c.1022G>A (p.Trp341Ter)

Gene: MEN1 (menin 1; minus strand). Cytogenetic location: 11q13.1.
Variant type: single nucleotide variant.
Coding change: c.1022G>A on transcript NM_001370259.2 (MANE Select); coding-DNA position 1022, G replaced by A.
Protein change: p.Trp341Ter; replaces tryptophan 341 with a stop codon.
Molecular consequence: nonsense.
Genome position (GRCh38, 1-based): chr11:64,806,259, C>T on the plus strand (G>A on the coding strand, the complement: MEN1 is on the minus strand). VCF-style: chr11-64806259-C-T. GRCh37 (hg19) VCF-style: chr11-64573731-C-T.
Other names: c.1022G>A, p.Trp341Ter (NM_001370260.2, NM_001370261.2, NM_130799.3 and 1 more transcripts); c.917G>A, p.Trp306Ter (NM_001370262.2, NM_001370263.2); c.1037G>A, p.Trp346Ter (NM_130800.3, NM_130801.3, NM_130802.3 and 3 more transcripts); short protein forms W341*, W346*, W306*.
Identifiers: ClinVar variation 428018 (VCV000428018.17), dbSNP rs1114167482, ClinGen allele CA381183230.